The following is an entry in ClinVar:

NM_000388.4(CASR):c.86A>G (p.Lys29Arg)

Gene: CASR (calcium sensing receptor; plus strand). Cytogenetic location: 3q21.1.
Variant type: single nucleotide variant.
Coding change: c.86A>G on transcript NM_000388.4 (MANE Select); coding-DNA position 86, A replaced by G.
Protein change: p.Lys29Arg; replaces lysine 29 with arginine.
Molecular consequence: missense variant.
Genome position (GRCh38, 1-based): chr3:122,254,275, A>G. VCF-style: chr3-122254275-A-G. GRCh37 (hg19) VCF-style: chr3-121973122-A-G.
Other names: c.86A>G, p.Lys29Arg (NM_001178065.2); short protein forms K29R.
Identifiers: ClinVar variation 3588340 (VCV003588340.3).

ClinVar aggregate classification (germline): Uncertain significance. Review status: criteria provided, multiple submitters, no conflicts (2 of 4 stars). 2 submissions from 2 submitters: Uncertain significance (2). Last evaluated 2025-08-18.

Conditions:
Neonatal severe primary hyperparathyroidism. Identifiers: Orphanet 417, MedGen C1832615, MONDO:0009397, OMIM 239200.
Familial hypocalciuric hypercalcemia 1. Also called: Hypercalcemia, familial benign type 1. Identifiers: Orphanet 405, Orphanet 93372, MedGen C0342637, MONDO:0007791, OMIM 145980.
Epilepsy, idiopathic generalized, susceptibility to, 8. Identifiers: MedGen C2752062, MONDO:0013032, OMIM 612899.
Autosomal dominant hypocalcemia 1 (HYPOC1). Also called: HYPOCALCEMIA, FAMILIAL. Identifiers: MedGen C3715128, MONDO:0011013, OMIM 601198.
Familial hypocalciuric hypercalcemia (FHH). Also called: Familial benign hypercalcemia. Identifiers: Orphanet 405, MedGen C1809471, MONDO:0018458.

Submissions (2):

Labcorp Genetics (formerly Invitae), Labcorp
Classification: Uncertain significance for Familial hypocalciuric hypercalcemia; Autosomal dominant hypocalcemia 1. Last evaluated: 2025-08-18. Review status: criteria provided, single submitter. Criteria: Invitae Variant Classification Sherloc (09022015). Collection method: clinical testing. Allele origin: germline.
Comment: This sequence change replaces lysine, which is basic and polar, with arginine, which is basic and polar, at codon 29 of the CASR protein (p.Lys29Arg). This variant is not present in population databases (gnomAD no frequency). This variant has not been reported in the literature in individuals affected with CASR-related conditions. ClinVar contains an entry for this variant (Variation ID: 3588340). An algorithm developed to predict the effect of missense changes on protein structure and function (PolyPhen-2) suggests that this variant is likely to be disruptive. In summary, the available evidence is currently insufficient to determine the role of this variant in disease. Therefore, it has been classified as a Variant of Uncertain Significance.

Fulgent Genetics
Classification: Uncertain significance for Familial hypocalciuric hypercalcemia 1; Neonatal severe primary hyperparathyroidism; Autosomal dominant hypocalcemia 1; Epilepsy, idiopathic generalized, susceptibility to, 8. Last evaluated: 2024-04-03. Review status: criteria provided, single submitter. Criteria: ACMG Guidelines, 2015. Collection method: clinical testing. Allele origin: germline.